The following is an entry in ClinVar:

NM_001375524.1(TRRAP):c.8754C>T (p.Ala2918=)

Gene: TRRAP (transformation/transcription domain associated protein; plus strand). Cytogenetic location: 7q22.1.
Variant type: single nucleotide variant.
Coding change: c.8754C>T on transcript NM_001375524.1 (MANE Select); coding-DNA position 8754, C replaced by T.
Protein change: p.Ala2918=; no amino-acid change (alanine 2918 retained).
Molecular consequence: synonymous variant.
Genome position (GRCh38, 1-based): chr7:98,981,888, C>T. VCF-style: chr7-98981888-C-T. GRCh37 (hg19) VCF-style: chr7-98579511-C-T.
Other names: c.8733C>T, p.Ala2911= (NM_001244580.2); c.8679C>T, p.Ala2893= (NM_003496.4); c.8679C>T (NM_003496.3).
Identifiers: ClinVar variation 2044723 (VCV002044723.6), dbSNP rs140091431, ClinGen allele CA4361527.

ClinVar aggregate classification (germline): Benign/Likely benign. Review status: criteria provided, multiple submitters, no conflicts (2 of 4 stars). 3 submissions from 3 submitters: Benign (1); Likely benign (1). 1 of the submissions does not count toward it. Last evaluated 2026-01-26.

Conditions:
TRRAP-related disorder. Also called: TRRAP-related condition.

Allele frequency attached by ClinVar (database versions not stated): gnomAD exomes 0.00018; ExAC 0.00063; ESP Exome Variant Server 0.00146; gnomAD 0.00157; TOPMed 0.00171; 1000 Genomes Project 30x 0.00172; 1000 Genomes Project 0.00200.
gnomAD v4.1: 531 of 1,609,760 alleles (0.033%); highest among the groups gnomAD compares: African/African-American, 0.59%; 2 homozygotes.

Submissions (3):

Labcorp Genetics (formerly Invitae), Labcorp
Classification: Benign. Last evaluated: 2026-01-26. Review status: criteria provided, single submitter. Criteria: Invitae Variant Classification Sherloc (09022015). Collection method: clinical testing. Allele origin: germline.

Blueprint Genetics
Classification: Likely benign. Last evaluated: 2024-10-18. Review status: criteria provided, single submitter. Criteria: ACMG Guidelines, 2015. Collection method: clinical testing. Allele origin: germline.

PreventionGenetics, part of Exact Sciences
Classification: Likely benign for TRRAP-related condition. Last evaluated: 2024-09-18. Review status: no assertion criteria provided. Collection method: clinical testing. Allele origin: germline. Not counted in ClinVar's aggregate classification.
Comment: This variant is classified as likely benign based on ACMG/AMP sequence variant interpretation guidelines (Richards et al. 2015 PMID: 25741868, with internal and published modifications).